The following is an entry in ClinVar:

ClinVar aggregate classification (germline): Uncertain significance. Review status: criteria provided, multiple submitters, no conflicts (2 of 4 stars). 5 submissions from 5 submitters: Uncertain significance (4). 1 of the submissions does not count toward it. Last evaluated 2026-05-28.

Conditions:
VPS13B-related disorder. Also called: VPS13B-related condition.
Cohen syndrome (COH1). Also called: Cutis verticis gyrata, retinitis pigmentosa, and sensorineural deafness; PEPPER SYNDROME. Identifiers: Orphanet 193, MedGen C0265223, MONDO:0008999, OMIM 216550.

Allele frequency attached by ClinVar (database versions not stated): gnomAD exomes 0.00002 and 0.00001; TOPMed 0.00002; gnomAD 0.00003 and 0.00002; ExAC 0.00002.
gnomAD v4.1: 31 of 1,613,652 alleles (0.0019%); highest among the groups gnomAD compares: East Asian, 0.0067%; no homozygotes.

Submissions (5):

PreventionGenetics, part of Exact Sciences
Classification: Uncertain significance for VPS13B-related condition. Last evaluated: 2026-05-28. Review status: criteria provided, single submitter. Criteria: ACMG Guidelines, 2015. Collection method: clinical testing. Allele origin: germline.
Comment: The VPS13B c.857A>G variant is predicted to result in the amino acid substitution p.Tyr286Cys. To our knowledge, this variant has not been reported in the literature. This variant is reported in 0.0050% of alleles in individuals of East Asian descent in gnomAD. At this time, the clinical significance of this variant is uncertain due to the absence of conclusive functional and genetic evidence.

Labcorp Genetics (formerly Invitae), Labcorp
Classification: Uncertain significance for Cohen syndrome. Last evaluated: 2025-07-17. Review status: criteria provided, single submitter. Criteria: Invitae Variant Classification Sherloc (09022015). Collection method: clinical testing. Allele origin: germline.
Comment: This sequence change replaces tyrosine, which is neutral and polar, with cysteine, which is neutral and slightly polar, at codon 286 of the VPS13B protein (p.Tyr286Cys). This variant is present in population databases (rs753075331, gnomAD 0.005%). This variant has not been reported in the literature in individuals affected with VPS13B-related conditions. ClinVar contains an entry for this variant (Variation ID: 910230). Invitae Evidence Modeling of protein sequence and biophysical properties (such as structural, functional, and spatial information, amino acid conservation, physicochemical variation, residue mobility, and thermodynamic stability) indicates that this missense variant is expected to disrupt VPS13B protein function with a positive predictive value of 80%. In summary, the available evidence is currently insufficient to determine the role of this variant in disease. Therefore, it has been classified as a Variant of Uncertain Significance.

Blueprint Genetics
Classification: Uncertain significance. Last evaluated: 2022-02-17. Review status: criteria provided, single submitter. Criteria: ACMG Guidelines, 2015. Collection method: clinical testing. Allele origin: germline.

Illumina Laboratory Services, Illumina
Classification: Uncertain significance for Cohen syndrome. Last evaluated: 2018-01-13. Review status: criteria provided, single submitter. Criteria: ICSL Variant Classification Criteria 13 December 2019. Collection method: clinical testing. Allele origin: germline.

Natera, Inc.
Classification: Uncertain significance for Cohen syndrome. Last evaluated: 2020-08-02. Review status: no assertion criteria provided. Collection method: clinical testing. Allele origin: germline. Not counted in ClinVar's aggregate classification.

NM_152564.5(VPS13B):c.857A>G (p.Tyr286Cys)

Gene: VPS13B (vacuolar protein sorting 13 homolog B; plus strand). Cytogenetic location: 8q22.2.
Variant type: single nucleotide variant.
Coding change: c.857A>G on transcript NM_152564.5 (MANE Select); coding-DNA position 857, A replaced by G.
Protein change: p.Tyr286Cys; replaces tyrosine 286 with cysteine.
Molecular consequence: missense variant. On other transcripts: non-coding transcript variant (1).
Genome position (GRCh38, 1-based): chr8:99,115,794, A>G. VCF-style: chr8-99115794-A-G. GRCh37 (hg19) VCF-style: chr8-100128022-A-G.
Other names: c.857A>G, p.Tyr286Cys (NM_015243.3, NM_017890.5, NM_181661.3); c.857A>G (NM_152564.4); short protein forms Y286C.
Identifiers: ClinVar variation 910230 (VCV000910230.17), dbSNP rs753075331, ClinGen allele CA4822488.